The following is an entry in ClinVar:

ClinVar aggregate classification (germline): Likely benign. Review status: criteria provided, multiple submitters, no conflicts (2 of 4 stars). 2 submissions from 2 submitters: Likely benign (2). Last evaluated 2025-11-17.

Conditions:
Lynch syndrome 5 (LYNCH5). Also called: Hereditary non-polyposis colorectal cancer, type 5; Colorectal cancer, hereditary nonpolyposis, type 5. Identifiers: Orphanet 144, MedGen C1833477, MONDO:0013710, OMIM 614350. Disease mechanism: loss of function.
Hereditary nonpolyposis colorectal neoplasms. Identifiers: MedGen C0009405, MeSH D003123.

Allele frequency attached by ClinVar (database versions not stated): gnomAD exomes below 0.00001.

Submissions (2):

Labcorp Genetics (formerly Invitae), Labcorp
Classification: Likely benign for Hereditary nonpolyposis colorectal neoplasms. Last evaluated: 2025-11-17. Review status: criteria provided, single submitter. Criteria: Invitae Variant Classification Sherloc (09022015). Collection method: clinical testing. Allele origin: germline.

Myriad Genetics, Inc.
Classification: Likely benign for Lynch syndrome 5. Last evaluated: 2025-01-09. Review status: criteria provided, single submitter. Criteria: Myriad Autosomal Dominant, Autosomal Recessive and X-Linked Classification Criteria (2023). Collection method: clinical testing. Allele origin: unknown.
Comment: This variant is considered likely benign. This variant is intronic and is not expected to impact mRNA splicing.

NM_000179.3(MSH6):c.4001+9_4001+16del

Gene: MSH6 (mutS homolog 6; plus strand). Cytogenetic location: 2p16.3.
Variant type: Deletion.
Coding change: c.4001+9_4001+16del on transcript NM_000179.3 (MANE Select); bases 9 to 16 of the intron after coding-DNA position 4001, 8 bases deleted (CTAACTAT; older notation c.4001+9_4001+16delCTAACTAT).
Molecular consequence: intron variant.
Genome position (GRCh38, 1-based): chr2:47,806,660-47,806,667, CTAACTAT deleted. VCF-style (leftmost placement, unchanged base first): chr2-47806659-ACTAACTAT-A. GRCh37 (hg19) VCF-style: chr2-48033798-ACTAACTAT-A.
Other names: c.3095+9_3095+16del (NM_001281493.2, NM_001281494.2); c.3611+9_3611+16del (NM_001281492.2).
Identifiers: ClinVar variation 1648433 (VCV001648433.9), dbSNP rs1170371540, ClinGen allele CA532705517.